The following is an entry in ClinVar:

ClinVar aggregate classification (germline): Uncertain significance. Review status: criteria provided, multiple submitters, no conflicts (2 of 4 stars). 3 submissions from 3 submitters: Uncertain significance (3). Last evaluated 2025-06-09.

Conditions:
Cardiovascular phenotype. Identifiers: MedGen CN230736.
Hypertrophic cardiomyopathy 14. Identifiers: MedGen C2750467, MONDO:0013197, OMIM 613251.

Allele frequency attached by ClinVar (database versions not stated): 1000 Genomes Project 30x 0.00031.
gnomAD v4.1: 8 of 1,608,470 alleles (0.0005%); highest among the groups gnomAD compares: Admixed American, 0.005%; no homozygotes.

Submissions (3):

Labcorp Genetics (formerly Invitae), Labcorp
Classification: Uncertain significance for Hypertrophic cardiomyopathy 14. Last evaluated: 2025-06-09. Review status: criteria provided, single submitter. Criteria: Invitae Variant Classification Sherloc (09022015). Collection method: clinical testing. Allele origin: germline.
Comment: This sequence change replaces glutamic acid, which is acidic and polar, with glutamine, which is neutral and polar, at codon 1150 of the MYH6 protein (p.Glu1150Gln). This variant is present in population databases (rs760399050, gnomAD 0.01%). This variant has not been reported in the literature in individuals affected with MYH6-related conditions. ClinVar contains an entry for this variant (Variation ID: 1731522). Invitae Evidence Modeling of protein sequence and biophysical properties (such as structural, functional, and spatial information, amino acid conservation, physicochemical variation, residue mobility, and thermodynamic stability) indicates that this missense variant is not expected to disrupt MYH6 protein function with a negative predictive value of 80%. In summary, the available evidence is currently insufficient to determine the role of this variant in disease. Therefore, it has been classified as a Variant of Uncertain Significance.

Ambry Genetics
Classification: Uncertain significance for Cardiovascular phenotype. Last evaluated: 2025-02-22. Review status: criteria provided, single submitter. Criteria: Ambry Variant Classification Scheme 2023. Collection method: clinical testing. Allele origin: germline.
Comment: The p.E1150Q variant (also known as c.3448G>C), located in coding exon 24 of the MYH6 gene, results from a G to C substitution at nucleotide position 3448. The glutamic acid at codon 1150 is replaced by glutamine, an amino acid with highly similar properties. This amino acid position is conserved. In addition, the in silico prediction for this alteration is inconclusive. Since supporting evidence is limited at this time, the clinical significance of this alteration remains unclear.

Clinical Genomics Laboratory, Stanford Medicine
Classification: Uncertain significance. Last evaluated: 2023-05-03. Review status: criteria provided, single submitter. Criteria: ACMG Guidelines, 2015. Collection method: clinical testing. Allele origin: germline. Observed: 1 variant allele, 1 heterozygote.
Comment: The p.Glu1150Gln variant in the MYH6 gene has not been previously reported in association with disease. This variant has been identified in 2/14,050 African/African American chromosomes (3/240,124 chromosomes overall) by the Genome Aggregation Database. This variant is present in ClinVar (Accession: VCV001731522.3). The glutamic acid at position 1150 is evolutionarily conserved. Computational tools predict that the p.Glu1150Gln variant is deleterious; however, the accuracy of in silico algorithms is limited. These data were assessed using the ACMG/AMP variant interpretation guidelines. In summary, the significance of the p.Glu1150Gln variant is uncertain. Additional information is needed to resolve the significance of this variant. [ACMG evidence codes used: PM2; PP3]

NM_002471.4(MYH6):c.3448G>C (p.Glu1150Gln)

Gene: MYH6 (myosin heavy chain 6; minus strand). Cytogenetic location: 14q11.2.
Variant type: single nucleotide variant.
Coding change: c.3448G>C on transcript NM_002471.4 (MANE Select); coding-DNA position 3448, G replaced by C.
Protein change: p.Glu1150Gln; replaces glutamic acid 1150 with glutamine.
Molecular consequence: missense variant.
Genome position (GRCh38, 1-based): chr14:23,390,341, C>G on the plus strand (G>C on the coding strand, the complement: MYH6 is on the minus strand). VCF-style: chr14-23390341-C-G. GRCh37 (hg19) VCF-style: chr14-23859550-C-G.
Other names: short protein forms E1150Q.
Identifiers: ClinVar variation 1731522 (VCV001731522.5), dbSNP rs760399050, ClinGen allele CA7115178.
Genomic context (GRCh38, chr14:23,390,341, plus strand): 5'-CGCGCTTCTTGTTCATCTCGATCTGCACGGACGTGGCCCCGCCGGCCTCTTCCAGCCGCT[C>G]GCTGATCTCCTCCAGCTCCCGAGACAGGTCTGAGCGCAGCTTCTCCACCTTAGCCCTGGC-3'
Protein context (NP_002462.2, residues 1140-1160): DLSRELEEIS[Glu1150Gln]RLEEAGGATS